The following is an entry in ClinVar:

ClinVar aggregate classification (germline): Uncertain significance (1 of 4 stars; one submission).

Conditions:
Dilated cardiomyopathy 1JJ (CMD1JJ). Identifiers: Orphanet 154, MedGen C3808935, MONDO:0014095, OMIM 615235.

gnomAD v4.1: 7 of 1,614,072 alleles (0.00043%); highest among the groups gnomAD compares: Non-Finnish European, 0.00059%; no homozygotes.

Submission:

Labcorp Genetics (formerly Invitae), Labcorp
Classification: Uncertain significance for Dilated cardiomyopathy 1JJ. Last evaluated: 2025-12-03. Review status: criteria provided, single submitter. Criteria: Invitae Variant Classification Sherloc (09022015). Collection method: clinical testing. Allele origin: germline.
Comment: This sequence change replaces asparagine, which is neutral and polar, with aspartic acid, which is acidic and polar, at codon 393 of the LAMA4 protein (p.Asn393Asp). This variant is not present in population databases (gnomAD no frequency). This variant has not been reported in the literature in individuals affected with LAMA4-related conditions. Invitae Evidence Modeling of protein sequence and biophysical properties (such as structural, functional, and spatial information, amino acid conservation, physicochemical variation, residue mobility, and thermodynamic stability) indicates that this missense variant is not expected to disrupt LAMA4 protein function with a negative predictive value of 80%. In summary, the available evidence is currently insufficient to determine the role of this variant in disease. Therefore, it has been classified as a Variant of Uncertain Significance.

NM_001105206.3(LAMA4):c.1198A>G (p.Asn400Asp)

Gene: LAMA4 (laminin subunit alpha 4; minus strand). Cytogenetic location: 6q21.
Variant type: single nucleotide variant.
Coding change: c.1198A>G on transcript NM_001105206.3 (MANE Select); coding-DNA position 1198, A replaced by G.
Protein change: p.Asn400Asp; replaces asparagine 400 with aspartic acid.
Molecular consequence: missense variant.
Genome position (GRCh38, 1-based): chr6:112,175,472, T>C on the plus strand (A>G on the coding strand, the complement: LAMA4 is on the minus strand). VCF-style: chr6-112175472-T-C. GRCh37 (hg19) VCF-style: chr6-112496674-T-C.
Other names: c.1177A>G, p.Asn393Asp (NM_001105207.3, NM_002290.5); short protein forms N393D, N400D.
Identifiers: ClinVar variation 4776474 (VCV004776474.1).